The following is an entry in ClinVar:

NM_018297.4(NGLY1):c.599T>G (p.Val200Gly)

Gene: NGLY1 (N-glycanase 1; minus strand). Cytogenetic location: 3p24.2.
Variant type: single nucleotide variant.
Coding change: c.599T>G on transcript NM_018297.4 (MANE Select); coding-DNA position 599, T replaced by G.
Protein change: p.Val200Gly; replaces valine 200 with glycine.
Molecular consequence: missense variant.
Genome position (GRCh38, 1-based): chr3:25,751,157, A>C on the plus strand (T>G on the coding strand, the complement: NGLY1 is on the minus strand). VCF-style: chr3-25751157-A-C. GRCh37 (hg19) VCF-style: chr3-25792648-A-C.
Other names: c.599T>G, p.Val200Gly (NM_001145293.2, NM_001145295.2); c.473T>G, p.Val158Gly (NM_001145294.2); short protein forms V200G, V158G.
Identifiers: ClinVar variation 1406338 (VCV001406338.10), dbSNP rs2125512805, ClinGen allele CA351905956.

ClinVar aggregate classification (germline): Uncertain significance (1 of 4 stars; one submission).

Conditions:
Congenital disorder of deglycosylation (CDDG). Identifiers: MedGen C3808991, MONDO:0031376.

Submission:

Labcorp Genetics (formerly Invitae), Labcorp
Classification: Uncertain significance for Congenital disorder of deglycosylation. Last evaluated: 2022-02-24. Review status: criteria provided, single submitter. Criteria: Invitae Variant Classification Sherloc (09022015). Collection method: clinical testing. Allele origin: germline.
Comment: In summary, the available evidence is currently insufficient to determine the role of this variant in disease. Therefore, it has been classified as a Variant of Uncertain Significance. Algorithms developed to predict the effect of missense changes on protein structure and function (SIFT, PolyPhen-2, Align-GVGD) all suggest that this variant is likely to be tolerated. This variant has not been reported in the literature in individuals affected with NGLY1-related conditions. This variant is not present in population databases (gnomAD no frequency). This sequence change replaces valine, which is neutral and non-polar, with glycine, which is neutral and non-polar, at codon 200 of the NGLY1 protein (p.Val200Gly).